The following is an entry in ClinVar:

NM_000376.3(VDR):c.1045G>A (p.Ala349Thr)

Gene: VDR (vitamin D receptor; minus strand). Cytogenetic location: 12q13.11.
Variant type: single nucleotide variant.
Coding change: c.1045G>A on transcript NM_000376.3 (MANE Select); coding-DNA position 1045, G replaced by A.
Protein change: p.Ala349Thr; replaces alanine 349 with threonine.
Molecular consequence: missense variant.
Genome position (GRCh38, 1-based): chr12:47,844,985, C>T on the plus strand (G>A on the coding strand, the complement: VDR is on the minus strand). VCF-style: chr12-47844985-C-T. GRCh37 (hg19) VCF-style: chr12-48238768-C-T.
Other names: c.1045G>A, p.Ala349Thr (NM_001017535.2, NM_001364085.2, NM_001374661.1 and 1 more transcripts); c.1195G>A, p.Ala399Thr (NM_001017536.2); short protein forms A399T, A349T.
Identifiers: ClinVar variation 1037220 (VCV001037220.8), dbSNP rs774910763, ClinGen allele CA6533770.

ClinVar aggregate classification (germline): Uncertain significance. Review status: criteria provided, multiple submitters, no conflicts (2 of 4 stars). 2 submissions from 2 submitters: Uncertain significance (2). Last evaluated 2024-03-25.

Conditions:
Vitamin D-dependent rickets type II with alopecia (VDDR2A). Also called: GENERALIZED RESISTANCE TO 1,25-DIHYDROXYVITAMIN D; HYPOCALCEMIC VITAMIN D-RESISTANT RICKETS; PDDR IIA; PSEUDOVITAMIN D-DEFICIENCY, TYPE IIA; RICKETS, HEREDITARY VITAMIN D-RESISTANT; RICKETS-ALOPECIA SYNDROME. Identifiers: Orphanet 93160, MedGen C0342646, MONDO:0010186, OMIM 277440.

Allele frequency attached by ClinVar (database versions not stated): ExAC 0.00001; TOPMed 0.00001; gnomAD exomes 0.00002.

Submissions (2):

Fulgent Genetics
Classification: Uncertain significance for Vitamin D-dependent rickets type II with alopecia. Last evaluated: 2024-03-25. Review status: criteria provided, single submitter. Criteria: ACMG Guidelines, 2015. Collection method: clinical testing. Allele origin: germline.

Labcorp Genetics (formerly Invitae), Labcorp
Classification: Uncertain significance. Last evaluated: 2021-08-20. Review status: criteria provided, single submitter. Criteria: Invitae Variant Classification Sherloc (09022015). Collection method: clinical testing. Allele origin: germline.
Comment: This sequence change replaces alanine with threonine at codon 349 of the VDR protein (p.Ala349Thr). The alanine residue is moderately conserved and there is a small physicochemical difference between alanine and threonine. This variant is present in population databases (rs774910763, ExAC 0.006%). This variant has not been reported in the literature in individuals affected with VDR-related conditions. Algorithms developed to predict the effect of missense changes on protein structure and function (SIFT, PolyPhen-2, Align-GVGD) all suggest that this variant is likely to be tolerated. In summary, the available evidence is currently insufficient to determine the role of this variant in disease. Therefore, it has been classified as a Variant of Uncertain Significance.